The following is an entry in ClinVar:

NM_017534.6(MYH2):c.946G>A (p.Val316Ile)

Genes: MYHAS (myosin heavy chain gene cluster antisense RNA; plus strand), MYH2 (myosin heavy chain 2; minus strand). Cytogenetic location: 17p13.1.
Variant type: single nucleotide variant.
Coding change: c.946G>A on transcript NM_017534.6 (MANE Select); coding-DNA position 946, G replaced by A.
Protein change: p.Val316Ile; replaces valine 316 with isoleucine.
Molecular consequence: missense variant.
Genome position (GRCh38, 1-based): chr17:10,540,656, C>T on the plus strand (G>A on the coding strand, the complement: MYH2 is on the minus strand). VCF-style: chr17-10540656-C-T. GRCh37 (hg19) VCF-style: chr17-10443973-C-T.
Other names: c.946G>A, p.Val316Ile (NM_001100112.2); short protein forms V316I.
Identifiers: ClinVar variation 2842294 (VCV002842294.3), dbSNP rs199926461, ClinGen allele CA287745926.

ClinVar aggregate classification (germline): Uncertain significance (1 of 4 stars; one submission).

Conditions:
Myopathy, proximal, and ophthalmoplegia (CMYO6). Also called: CONGENITAL MYOPATHY 6 WITH OPHTHALMOPLEGIA; INCLUSION BODY MYOPATHY 3, AUTOSOMAL DOMINANT; MYOPATHY WITH CONGENITAL JOINT CONTRACTURES, OPHTHALMOPLEGIA, AND RIMMED VACUOLES. Identifiers: Orphanet 363677, Orphanet 79091, MedGen C1854106, MONDO:0011577, OMIM 605637.

Allele frequency attached by ClinVar (database versions not stated): gnomAD exomes below 0.00001; gnomAD 0.00001; 1000 Genomes Project 30x 0.00016; 1000 Genomes Project 0.00020.

Submission:

Labcorp Genetics (formerly Invitae), Labcorp
Classification: Uncertain significance for Myopathy, proximal, and ophthalmoplegia. Last evaluated: 2023-03-23. Review status: criteria provided, single submitter. Criteria: Invitae Variant Classification Sherloc (09022015). Collection method: clinical testing. Allele origin: germline.
Comment: Algorithms developed to predict the effect of missense changes on protein structure and function output the following: SIFT: "Not Available"; PolyPhen-2: "Benign"; Align-GVGD: "Not Available". The isoleucine amino acid residue is found in multiple mammalian species, which suggests that this missense change does not adversely affect protein function. This sequence change replaces valine, which is neutral and non-polar, with isoleucine, which is neutral and non-polar, at codon 316 of the MYH2 protein (p.Val316Ile). This variant is present in population databases (rs199926461, gnomAD 0.0009%). This variant has not been reported in the literature in individuals affected with MYH2-related conditions. In summary, the available evidence is currently insufficient to determine the role of this variant in disease. Therefore, it has been classified as a Variant of Uncertain Significance.